The following is an entry in ClinVar:

ClinVar aggregate classification (germline): Uncertain significance (1 of 4 stars; one submission).

Conditions:
Cardiovascular phenotype. Identifiers: MedGen CN230736.

Submission:

Ambry Genetics
Classification: Uncertain significance for Cardiovascular phenotype. Last evaluated: 2025-08-03. Review status: criteria provided, single submitter. Criteria: Ambry Variant Classification Scheme 2023. Collection method: clinical testing. Allele origin: germline.
Comment: The p.V1048F variant (also known as c.3142G>T), located in coding exon 21 of the ABCA1 gene, results from a G to T substitution at nucleotide position 3142. The valine at codon 1048 is replaced by phenylalanine, an amino acid with highly similar properties. This amino acid position is conserved. In addition, this alteration is predicted to be deleterious by in silico analysis. Based on the available evidence, the clinical significance of this variant remains unclear.

NM_005502.4(ABCA1):c.3142G>T (p.Val1048Phe)

Gene: ABCA1 (ATP binding cassette subfamily A member 1; minus strand). Cytogenetic location: 9q31.1.
Variant type: single nucleotide variant.
Coding change: c.3142G>T on transcript NM_005502.4 (MANE Select); coding-DNA position 3142, G replaced by T.
Protein change: p.Val1048Phe; replaces valine 1048 with phenylalanine.
Molecular consequence: missense variant.
Genome position (GRCh38, 1-based): chr9:104,819,685, C>A on the plus strand (G>T on the coding strand, the complement: ABCA1 is on the minus strand). VCF-style: chr9-104819685-C-A. GRCh37 (hg19) VCF-style: chr9-107581966-C-A.
Other names: short protein forms V1048F.
Identifiers: ClinVar variation 4235619 (VCV004235619.1).
Genomic context (GRCh38, chr9:104,819,685, plus strand): 5'-GGGAGTAAGGGTCCACACCAGCTGTGGGTTCATCCAGAATGACAACCTTAGATCCCCCGA[C>A]AAAGGCCAAGGCCACAGATAGCTTTCTCTGCATTCCACCTACAAAAAAACAGAGCAAGAC-3'
Protein context (NP_005493.2, residues 1038-1058): QRKLSVALAF[Val1048Phe]GGSKVVILDE